The following is an entry in ClinVar:

NM_206933.4(USH2A):c.12743A>G (p.His4248Arg)

Gene: USH2A (usherin; minus strand). Cytogenetic location: 1q41.
Variant type: single nucleotide variant.
Coding change: c.12743A>G on transcript NM_206933.4 (MANE Select); coding-DNA position 12743, A replaced by G.
Protein change: p.His4248Arg; replaces histidine 4248 with arginine.
Molecular consequence: missense variant.
Genome position (GRCh38, 1-based): chr1:215,675,168, T>C on the plus strand (A>G on the coding strand, the complement: USH2A is on the minus strand). VCF-style: chr1-215675168-T-C. GRCh37 (hg19) VCF-style: chr1-215848510-T-C.
Other names: c.12743A>G (NM_206933.3); short protein forms H4248R.
Identifiers: ClinVar variation 48407 (VCV000048407.31), dbSNP rs145830318, ClinGen allele CA143302.

ClinVar aggregate classification (germline): Benign/Likely benign. Review status: criteria provided, multiple submitters, no conflicts (2 of 4 stars). 12 submissions from 11 submitters: Benign (6); Likely benign (3). 3 of the submissions do not count toward it. Last evaluated 2026-02-02.

Conditions:
Retinitis pigmentosa 39 (RP39). Identifiers: Orphanet 791, MedGen C3151138, MONDO:0013436, OMIM 613809.
Usher syndrome type 2A. Also called: RETINAL DISEASE IN USHER SYNDROME TYPE IIA, MODIFIER OF; USHER SYNDROME, TYPE IIA. Identifiers: Orphanet 231178, Orphanet 886, MedGen C1848634, MONDO:0010169, OMIM 276901.

Allele frequency attached by ClinVar (database versions not stated): 1000 Genomes Project 30x 0.00562; ESP Exome Variant Server 0.00592; 1000 Genomes Project 0.00599; TOPMed 0.00616.
gnomAD v4.1: 1,737 of 1,614,104 alleles (0.11%); highest among the groups gnomAD compares: African/African-American, 2%; 12 homozygotes.

Submissions (12):

Labcorp Genetics (formerly Invitae), Labcorp
Classification: Benign. Last evaluated: 2026-02-02. Review status: criteria provided, single submitter. Criteria: Invitae Variant Classification Sherloc (09022015). Collection method: clinical testing. Allele origin: germline.

Mayo Clinic Laboratories, Mayo Clinic
Classification: Benign. Last evaluated: 2024-10-23. Review status: criteria provided, single submitter. Criteria: ACMG Guidelines, 2015. Collection method: clinical testing. Allele origin: germline. Observed: 1 variant allele.
Comment: BA1, BS2

Genome-Nilou Lab
Classification: Likely benign for Retinitis pigmentosa 39. Last evaluated: 2023-11-04. Review status: criteria provided, single submitter. Criteria: ACMG Guidelines, 2015. Collection method: clinical testing. Allele origin: germline. Affected: no.

Genome-Nilou Lab
Classification: Likely benign for Usher syndrome type 2A. Last evaluated: 2023-11-04. Review status: criteria provided, single submitter. Criteria: ACMG Guidelines, 2015. Collection method: clinical testing. Allele origin: germline. Affected: no.

Fulgent Genetics
Classification: Likely benign for Usher syndrome type 2A; Retinitis pigmentosa 39. Last evaluated: 2021-09-27. Review status: criteria provided, single submitter. Criteria: ACMG Guidelines, 2015. Collection method: clinical testing. Allele origin: unknown.

GeneDx
Classification: Benign. Last evaluated: 2019-09-19. Review status: criteria provided, single submitter. Criteria: GeneDx Variant Classification Process June 2021. Collection method: clinical testing. Allele origin: germline. Affected: yes.

Athena Diagnostics
Classification: Benign. Last evaluated: 2019-02-15. Review status: criteria provided, single submitter. Criteria: Athena Diagnostics Criteria. Collection method: clinical testing. Allele origin: germline.

ARUP Laboratories, Molecular Genetics and Genomics, ARUP Laboratories
Classification: Benign. Last evaluated: 2017-12-12. Review status: criteria provided, single submitter. Criteria: ARUP Molecular Germline Variant Investigation Process. Collection method: clinical testing. Allele origin: germline.

Laboratory for Molecular Medicine, Mass General Brigham Personalized Medicine
Classification: Benign. Last evaluated: 2012-05-15. Review status: criteria provided, single submitter. Criteria: LMM Criteria. Collection method: clinical testing. Allele origin: germline. Observed: 9 variant alleles.
Comment: His4248Arg in Exon 63 of USH2A: This variant is not expected to have clinical si gnificance because it has been identified in 1.7% (65/3738) of African American chromosomes from a broad population by the NHLBI Exome Sequencing Project (dbSNP rs145830318).

Natera, Inc.
Classification: Benign for Usher syndrome type 2A. Last evaluated: 2019-12-10. Review status: no assertion criteria provided. Collection method: clinical testing. Allele origin: germline. Not counted in ClinVar's aggregate classification.

Clinical Genetics DNA and cytogenetics Diagnostics Lab, Erasmus MC, Erasmus Medical Center
Classification: Benign. Review status: no assertion criteria provided. Collection method: clinical testing. Allele origin: germline. Affected: yes. Study: VKGL Data-share Consensus. Not counted in ClinVar's aggregate classification.

Clinical Genetics, Academic Medical Center
Classification: Benign. Review status: no assertion criteria provided. Collection method: clinical testing. Allele origin: germline. Affected: yes. Study: VKGL Data-share Consensus. Not counted in ClinVar's aggregate classification.